The following is an entry in ClinVar:

ClinVar aggregate classification (germline): Likely benign (1 of 4 stars; one submission).

Submission:

Center for Genomic Medicine, Rigshospitalet, Copenhagen University Hospital
Classification: Likely benign. Last evaluated: 2025-12-29. Review status: criteria provided, single submitter. Criteria: ACMG Guidelines, 2015. Collection method: clinical testing. Allele origin: germline.
Comment: Classification criteria: BP4, BP7

NM_004360.5(CDH1):c.688-24G>A

Gene: CDH1 (cadherin 1; plus strand). Cytogenetic location: 16q22.1.
Variant type: single nucleotide variant.
Coding change: c.688-24G>A on transcript NM_004360.5 (MANE Select); 24 bases into the intron before coding-DNA position 688, G replaced by A.
Molecular consequence: intron variant.
Genome position (GRCh38, 1-based): chr16:68,810,173, G>A. VCF-style: chr16-68810173-G-A. GRCh37 (hg19) VCF-style: chr16-68844076-G-A.
Other names: c.-928-24G>A (NM_001317185.2); c.-1132-24G>A (NM_001317186.2); c.688-24G>A (NM_001317184.2).
Identifiers: ClinVar variation 4539158 (VCV004539158.1).